The following is an entry in ClinVar:

NM_022829.6(SLC13A3):c.595G>A (p.Ala199Thr)

Gene: SLC13A3 (solute carrier family 13 member 3; minus strand). Cytogenetic location: 20q13.12.
Variant type: single nucleotide variant.
Coding change: c.595G>A on transcript NM_022829.6 (MANE Select); coding-DNA position 595, G replaced by A.
Protein change: p.Ala199Thr; replaces alanine 199 with threonine.
Molecular consequence: missense variant. On other transcripts: intron variant (1).
Genome position (GRCh38, 1-based): chr20:46,599,984, C>T on the plus strand (G>A on the coding strand, the complement: SLC13A3 is on the minus strand). VCF-style: chr20-46599984-C-T. GRCh37 (hg19) VCF-style: chr20-45228623-C-T.
Other names: c.454G>A, p.Ala152Thr (NM_001011554.3, NM_001193340.2); c.301G>A, p.Ala101Thr (NM_001193342.2); c.542-3642G>A (NM_001193339.2); short protein forms A199T, A101T, A152T.
Identifiers: ClinVar variation 3013845 (VCV003013845.3), dbSNP rs367984500, ClinGen allele CA9891579.
Genomic context (GRCh38, chr20:46,599,984, plus strand): 5'-CCTTGAATCAAGCACTGGGTCCTCTATGAATTTCACCAGTAACTTACGCTTCTGTGCTGG[C>T]GAGAAACTGCATCTCCGTGGGCACAGTGTGTAGGCCGTTTCTCCGCACAGCAGCTAGGAG-3'
Protein context (NP_073740.2, residues 189-209): HTVPTEMQFL[Ala199Thr]STEAKDHPGE

ClinVar aggregate classification (germline): Uncertain significance (1 of 4 stars; one submission).

Allele frequency attached by ClinVar (database versions not stated): gnomAD 0.00001; gnomAD exomes 0.00001; ExAC 0.00002; TOPMed 0.00003; ESP Exome Variant Server 0.00008.
gnomAD v4.1: 22 of 1,571,340 alleles (0.0014%); highest among the groups gnomAD compares: South Asian, 0.0035%; no homozygotes.

Submission:

Labcorp Genetics (formerly Invitae), Labcorp
Classification: Uncertain significance. Last evaluated: 2023-09-29. Review status: criteria provided, single submitter. Criteria: Invitae Variant Classification Sherloc (09022015). Collection method: clinical testing. Allele origin: germline.
Comment: In summary, the available evidence is currently insufficient to determine the role of this variant in disease. Therefore, it has been classified as a Variant of Uncertain Significance. An algorithm developed to predict the effect of missense changes on protein structure and function (PolyPhen-2) suggests that this variant is likely to be tolerated. This variant has not been reported in the literature in individuals affected with SLC13A3-related conditions. This variant is present in population databases (rs367984500, gnomAD 0.01%). This sequence change replaces alanine, which is neutral and non-polar, with threonine, which is neutral and polar, at codon 199 of the SLC13A3 protein (p.Ala199Thr).